The following is an entry in ClinVar:

ClinVar aggregate classification (germline): Uncertain significance. Review status: criteria provided, multiple submitters, no conflicts (2 of 4 stars). 4 submissions from 3 submitters: Uncertain significance (4). Last evaluated 2025-08-12.

Conditions:
MYH9-related disorder. Identifiers: MedGen C1854520.
Inborn genetic diseases. Identifiers: MedGen C0950123, MeSH D030342.
Autosomal dominant nonsyndromic hearing loss 17. Also called: Autosomal dominant nonsyndromic deafness 17; Deafness, autosomal dominant 17. Identifiers: Orphanet 90635, MedGen C1863659, MONDO:0011350, OMIM 603622.

Allele frequency attached by ClinVar (database versions not stated): gnomAD exomes below 0.00001; TOPMed below 0.00001; gnomAD 0.00001.
gnomAD v4.1: 3 of 1,614,040 alleles (0.00019%); highest among the groups gnomAD compares: Admixed American, 0.0033%; no homozygotes.

Submissions (4):

Ambry Genetics
Classification: Uncertain significance for Inborn genetic diseases. Last evaluated: 2025-08-12. Review status: criteria provided, single submitter. Criteria: Ambry Variant Classification Scheme 2023. Collection method: clinical testing. Allele origin: germline.

Labcorp Genetics (formerly Invitae), Labcorp
Classification: Uncertain significance. Last evaluated: 2024-03-18. Review status: criteria provided, single submitter. Criteria: Invitae Variant Classification Sherloc (09022015). Collection method: clinical testing. Allele origin: germline.
Comment: This sequence change replaces methionine, which is neutral and non-polar, with leucine, which is neutral and non-polar, at codon 425 of the MYH9 protein (p.Met425Leu). This variant is not present in population databases (gnomAD no frequency). This variant has not been reported in the literature in individuals affected with MYH9-related conditions. ClinVar contains an entry for this variant (Variation ID: 901482). Advanced modeling of protein sequence and biophysical properties (such as structural, functional, and spatial information, amino acid conservation, physicochemical variation, residue mobility, and thermodynamic stability) performed at Invitae indicates that this missense variant is not expected to disrupt MYH9 protein function with a negative predictive value of 95%. In summary, the available evidence is currently insufficient to determine the role of this variant in disease. Therefore, it has been classified as a Variant of Uncertain Significance.

Illumina Laboratory Services, Illumina
Classification: Uncertain significance for Autosomal dominant nonsyndromic hearing loss 17. Last evaluated: 2018-01-12. Review status: criteria provided, single submitter. Criteria: ICSL Variant Classification Criteria 13 December 2019. Collection method: clinical testing. Allele origin: germline.

Illumina Laboratory Services, Illumina
Classification: Uncertain significance for MYH9-related disorder. Last evaluated: 2018-01-12. Review status: criteria provided, single submitter. Criteria: ICSL Variant Classification Criteria 13 December 2019. Collection method: clinical testing. Allele origin: germline.

NM_002473.6(MYH9):c.1273A>T (p.Met425Leu)

Gene: MYH9 (myosin heavy chain 9; minus strand). Cytogenetic location: 22q12.3.
Variant type: single nucleotide variant.
Coding change: c.1273A>T on transcript NM_002473.6 (MANE Select); coding-DNA position 1273, A replaced by T.
Protein change: p.Met425Leu; replaces methionine 425 with leucine.
Molecular consequence: missense variant.
Genome position (GRCh38, 1-based): chr22:36,316,624, T>A on the plus strand (A>T on the coding strand, the complement: MYH9 is on the minus strand). VCF-style: chr22-36316624-T-A. GRCh37 (hg19) VCF-style: chr22-36712669-T-A.
Other names: short protein forms M425L.
Identifiers: ClinVar variation 901482 (VCV000901482.8), dbSNP rs961182177, ClinGen allele CA323605831.